The following is an entry in ClinVar:

ClinVar aggregate classification (germline): Likely benign. Review status: criteria provided, multiple submitters, no conflicts (2 of 4 stars). 2 submissions from 2 submitters: Likely benign (2). Last evaluated 2024-07-08.

Conditions:
Oligodontia-cancer predisposition syndrome. Also called: TOOTH AGENESIS-COLORECTAL CANCER SYNDROME. Identifiers: Orphanet 300576, MedGen C1837750, MONDO:0012075, OMIM 608615. Disease mechanism: loss of function.

Submissions (2):

Myriad Genetics, Inc.
Classification: Likely benign for Oligodontia-cancer predisposition syndrome. Last evaluated: 2024-07-08. Review status: criteria provided, single submitter. Criteria: Myriad Autosomal Dominant, Autosomal Recessive and X-Linked Classification Criteria (2023). Collection method: clinical testing. Allele origin: unknown.
Comment: This variant is considered likely benign. This variant is intronic and is not expected to impact mRNA splicing.

Labcorp Genetics (formerly Invitae), Labcorp
Classification: Likely benign for Oligodontia-cancer predisposition syndrome. Last evaluated: 2024-05-27. Review status: criteria provided, single submitter. Criteria: Invitae Variant Classification Sherloc (09022015). Collection method: clinical testing. Allele origin: germline.

NM_004655.4(AXIN2):c.1908-15T>C

Gene: AXIN2 (axin 2; minus strand). Cytogenetic location: 17q24.1.
Variant type: single nucleotide variant.
Coding change: c.1908-15T>C on transcript NM_004655.4 (MANE Select); 15 bases into the intron before coding-DNA position 1908, T replaced by C.
Molecular consequence: intron variant.
Genome position (GRCh38, 1-based): chr17:65,536,568, A>G on the plus strand (T>C on the coding strand, the complement: AXIN2 is on the minus strand). VCF-style: chr17-65536568-A-G. GRCh37 (hg19) VCF-style: chr17-63532686-A-G.
Other names: c.1713-15T>C (NM_001363813.1).
Identifiers: ClinVar variation 1664787 (VCV001664787.9), dbSNP rs576277859, ClinGen allele CA293097858.
Genomic context (GRCh38, chr17:65,536,568, plus strand): 5'-CGAGCGGGCAGACTCCAAGGGGTAGGCCTTTTTTGTGCTTTGGGCACTAAACAAGGAATG[A>G]GCAGAGAGAAAACAGAAGGAAAGAAACTGGGTTAGAAGAACTGGAAAATGTGACTTCAAT-3'